The following is an entry in ClinVar:

ClinVar aggregate classification (germline): Uncertain significance (1 of 4 stars; one submission).

Submission:

Dasa
Classification: Uncertain significance. Last evaluated: 2024-11-11. Review status: criteria provided, single submitter. Criteria: DASA Assertion Criteria. Collection method: clinical testing. Allele origin: germline.
Comment: NM_021973.3(HAND2):c.238del (p.Tyr80Thrfs*19) is a frameshift variant in HAND2 predicted to alter the reading frame and introduce a premature termination codon. This variant is absent from population databases. The currently available literature and clinical evidence are not sufficient to establish a definitive association between this variant and the reported condition. Therefore, this variant is classified as a variant of uncertain significance.

NM_021973.3(HAND2):c.238del (p.Tyr80fs)

Genes: HAND2 (heart and neural crest derivatives expressed 2; minus strand), HAND2-AS1 (HAND2 antisense RNA 1; plus strand). Cytogenetic location: 4q34.1.
Variant type: Deletion.
Coding change: c.238del on transcript NM_021973.3 (MANE Select); coding-DNA position 238, one base deleted (T; older notation c.238delT).
Protein change: p.Tyr80fs; shifts the reading frame from tyrosine 80.
Molecular consequence: frameshift variant.
Genome position (GRCh38, 1-based): chr4:173,529,052, A deleted on the plus strand (T on the coding strand, the reverse complement: HAND2 is on the minus strand); the first of 2 consecutive A bases (chr4:173,529,052-173,529,053); deleting either gives the same sequence. VCF-style (leftmost placement, unchanged base first): chr4-173529051-TA-T. GRCh37 (hg19) VCF-style: chr4-174450202-TA-T.
Other names: short protein forms Y80fs.
Identifiers: ClinVar variation 4883853 (VCV004883853.2).